The following is an entry in ClinVar:

ClinVar aggregate classification (germline): Uncertain significance (1 of 4 stars; one submission).

Conditions:
Alstrom syndrome (ALMS). Identifiers: Orphanet 64, MedGen C0268425, MONDO:0008763, OMIM 203800.

Allele frequency attached by ClinVar (database versions not stated): gnomAD exomes below 0.00001.
gnomAD v4.1: 1 of 1,613,992 alleles (0.000062%); highest among the groups gnomAD compares: Non-Finnish European, 0.000085%; no homozygotes.

Submission:

Labcorp Genetics (formerly Invitae), Labcorp
Classification: Uncertain significance for Alstrom syndrome. Last evaluated: 2022-04-11. Review status: criteria provided, single submitter. Criteria: Invitae Variant Classification Sherloc (09022015). Collection method: clinical testing. Allele origin: germline.
Comment: In summary, the available evidence is currently insufficient to determine the role of this variant in disease. Therefore, it has been classified as a Variant of Uncertain Significance. Experimental studies and prediction algorithms are not available or were not evaluated, and the functional significance of this variant is currently unknown. This variant has not been reported in the literature in individuals affected with ALMS1-related conditions. This variant is not present in population databases (gnomAD no frequency). This sequence change replaces serine, which is neutral and polar, with asparagine, which is neutral and polar, at codon 304 of the ALMS1 protein (p.Ser304Asn).

NM_001378454.1(ALMS1):c.908G>A (p.Ser303Asn)

Gene: ALMS1 (ALMS1 centrosome and basal body associated protein; plus strand). Cytogenetic location: 2p13.1.
Variant type: single nucleotide variant.
Coding change: c.908G>A on transcript NM_001378454.1 (MANE Select); coding-DNA position 908, G replaced by A.
Protein change: p.Ser303Asn; replaces serine 303 with asparagine.
Molecular consequence: missense variant.
Genome position (GRCh38, 1-based): chr2:73,424,573, G>A. VCF-style: chr2-73424573-G-A. GRCh37 (hg19) VCF-style: chr2-73651701-G-A.
Other names: c.911G>A, p.Ser304Asn (NM_015120.4); short protein forms S304N, S303N.
Identifiers: ClinVar variation 2124853 (VCV002124853.4), dbSNP rs2466046233, ClinGen allele CA347260842.
Genomic context (GRCh38, chr2:73,424,573, plus strand): 5'-AAGTAGCTTCAGACTTAGCAAGCAGTCGCTTTAGTGTATCTCAGCACCCGCTTATAGGCA[G>A]CACAGCTGTTGGGTCTCAGTGCCCTTTTTTACCTTCTGAACAAGGGAATAATGAAGAGAC-3'
Protein context (NP_001365383.1, residues 293-313): FSVSQHPLIG[Ser303Asn]TAVGSQCPFL